The following is an entry in ClinVar:

ClinVar aggregate classification (germline): Conflicting classifications of pathogenicity. Review status: criteria provided, conflicting classifications (1 of 4 stars). 3 submissions from 3 submitters: Uncertain significance (2); Likely benign (1). Last evaluated 2026-08-25.

Conditions:
UPK3A-related disorder. Also called: UPK3A-related condition.

Allele frequency attached by ClinVar (database versions not stated): gnomAD exomes 0.00004; TOPMed 0.00006; gnomAD 0.00010.

Submissions (3):

PreventionGenetics, part of Exact Sciences
Classification: Uncertain significance for UPK3A-related condition. Last evaluated: 2026-08-25. Review status: criteria provided, single submitter. Criteria: ACMG Guidelines, 2015. Collection method: clinical testing. Allele origin: germline.
Comment: The UPK3A c.812G>A variant is predicted to result in the amino acid substitution p.Arg271Gln. To our knowledge, this variant has not been reported in the literature. This variant is reported in 0.010% of alleles in individuals of European (Non-Finnish) descent in gnomAD. At this time, the clinical significance of this variant is uncertain due to the absence of conclusive functional and genetic evidence.

Ambry Genetics
Classification: Uncertain significance. Last evaluated: 2025-04-29. Review status: criteria provided, single submitter. Criteria: Ambry Variant Classification Scheme 2023. Collection method: clinical testing. Allele origin: germline.

Blueprint Genetics
Classification: Likely benign. Last evaluated: 2024-09-12. Review status: criteria provided, single submitter. Criteria: ACMG Guidelines, 2015. Collection method: clinical testing. Allele origin: germline.

NM_006953.4(UPK3A):c.812G>A (p.Arg271Gln)

Gene: UPK3A (uroplakin 3A; plus strand). Cytogenetic location: 22q13.31.
Variant type: single nucleotide variant.
Coding change: c.812G>A on transcript NM_006953.4 (MANE Select); coding-DNA position 812, G replaced by A.
Protein change: p.Arg271Gln; replaces arginine 271 with glutamine.
Molecular consequence: missense variant.
Genome position (GRCh38, 1-based): chr22:45,295,667, G>A. VCF-style: chr22-45295667-G-A. GRCh37 (hg19) VCF-style: chr22-45691548-G-A.
Other names: c.449G>A, p.Arg150Gln (NM_001167574.2); short protein forms R271Q, R150Q.
Identifiers: ClinVar variation 3186812 (VCV003186812.4), dbSNP rs903191749, ClinGen allele CA325069044.